The following is an entry in ClinVar:

ClinVar aggregate classification (germline): Likely benign. Review status: criteria provided, single submitter (1 of 4 stars). 2 submissions from 2 submitters: Likely benign (1). 1 of the submissions does not count toward it. Last evaluated 2025-11-19.

Conditions:
THAP11-related disorder. Also called: THAP11-related condition.

Submissions (2):

Labcorp Genetics (formerly Invitae), Labcorp
Classification: Likely benign. Last evaluated: 2025-11-19. Review status: criteria provided, single submitter. Criteria: Invitae Variant Classification Sherloc (09022015). Collection method: clinical testing. Allele origin: germline.

PreventionGenetics, part of Exact Sciences
Classification: Likely benign for THAP11-related condition. Last evaluated: 2020-04-06. Review status: no assertion criteria provided. Collection method: clinical testing. Allele origin: germline. Not counted in ClinVar's aggregate classification.
Comment: This variant is classified as likely benign based on ACMG/AMP sequence variant interpretation guidelines (Richards et al. 2015 PMID: 25741868, with internal and published modifications).

NM_020457.3(THAP11):c.367CAG[5] (p.Gln128_Gln132del)

Genes: CENPT (centromere protein T; minus strand), THAP11 (THAP domain containing 11; plus strand). Cytogenetic location: 16q22.1.
Variant type: Microsatellite.
Coding change: c.367CAG[5] on transcript NM_020457.3 (MANE Select); five copies in a row of the 3-base unit CAG starting at c.367; the reference has ten copies in a row; five copies, 15 bases deleted.
Protein change: p.Gln128_Gln132del.
Molecular consequence: inframe deletion. On other transcripts: intron variant (1).
Genome position (GRCh38, 1-based): chr16:67,842,936-67,842,950, CAGCAGCAGCAGCAG deleted; deleting any 15 consecutive bases within chr16:67,842,921-67,842,950 gives the same sequence; the position shown is the placement nearest the transcript's 3' end. VCF-style (leftmost placement, unchanged base first): chr16-67842920-ACAGCAGCAGCAGCAG-A. GRCh37 (hg19) VCF-style: chr16-67876823-ACAGCAGCAGCAGCAG-A.
Other names: c.-492+4451CTG[5] (NM_025082.4).
Identifiers: ClinVar variation 2713203 (VCV002713203.5), dbSNP rs377516180, ClinGen allele CA723102471.